The following is an entry in ClinVar:

ClinVar aggregate classification (germline): Uncertain significance (1 of 4 stars; one submission).

Conditions:
Inborn genetic diseases. Identifiers: MedGen C0950123, MeSH D030342.

Submission:

Ambry Genetics
Classification: Uncertain significance for Inborn genetic diseases. Last evaluated: 2026-02-23. Review status: criteria provided, single submitter. Criteria: Ambry Variant Classification Scheme 2023. Collection method: clinical testing. Allele origin: germline.
Comment: The p.K721R variant (also known as c.2162A>G), located in coding exon 8 of the MECOM gene, results from an A to G substitution at nucleotide position 2162. The lysine at codon 721 is replaced by arginine, an amino acid with highly similar properties. This amino acid position is conserved. In addition, this alteration is predicted to be tolerated by in silico analysis. Based on the available evidence, the clinical significance of this variant remains unclear.

NM_004991.4(MECOM):c.2162A>G (p.Lys721Arg)

Gene: MECOM (MDS1 and EVI1 complex locus; minus strand). Cytogenetic location: 3q26.2.
Variant type: single nucleotide variant.
Coding change: c.2162A>G on transcript NM_004991.4 (MANE Select); coding-DNA position 2162, A replaced by G.
Protein change: p.Lys721Arg; replaces lysine 721 with arginine.
Molecular consequence: missense variant.
Genome position (GRCh38, 1-based): chr3:169,115,710, T>C on the plus strand (A>G on the coding strand, the complement: MECOM is on the minus strand). VCF-style: chr3-169115710-T-C. GRCh37 (hg19) VCF-style: chr3-168833498-T-C.
Other names: c.1793A>G, p.Lys598Arg (NM_001105077.4); c.1598A>G, p.Lys533Arg (NM_001105078.4, NM_001164000.2, NM_001205194.2 and 4 more transcripts); c.1601A>G, p.Lys534Arg (NM_001163999.2, NM_001366467.2, NM_001366468.2 and 1 more transcripts); c.2162A>G, p.Lys721Arg (NM_001366466.2); c.1190A>G, p.Lys397Arg (NM_001366473.2); c.626A>G, p.Lys209Arg (NM_001366474.2); short protein forms K209R, K721R, K533R, K534R, K598R, K397R.
Identifiers: ClinVar variation 4826693 (VCV004826693.1).